The following is an entry in ClinVar:

NM_001368894.2(PAX6):c.1185G>A (p.Met395Ile)

Gene: PAX6 (paired box 6; minus strand). Cytogenetic location: 11p13.
Variant type: single nucleotide variant.
Coding change: c.1185G>A on transcript NM_001368894.2 (MANE Select); coding-DNA position 1185, G replaced by A.
Protein change: p.Met395Ile; replaces methionine 395 with isoleucine.
Molecular consequence: missense variant. On other transcripts: non-coding transcript variant (1), intron variant (9).
Genome position (GRCh38, 1-based): chr11:31,790,750, C>T on the plus strand (G>A on the coding strand, the complement: PAX6 is on the minus strand). VCF-style: chr11-31790750-C-T. GRCh37 (hg19) VCF-style: chr11-31812298-C-T.
Other names: c.1143G>A, p.Met381Ile (NM_000280.6, NM_001127612.3, NM_001258464.2 and 6 more transcripts); c.1185G>A, p.Met395Ile (NM_001258462.3, NM_001258463.2, NM_001310158.2 and 3 more transcripts); c.735G>A, p.Met245Ile (NM_001310160.2, NM_001310161.3, NM_001368899.2 and 10 more transcripts); c.1386G>A, p.Met462Ile (NM_001368910.2); c.1260G>A, p.Met420Ile (NM_001368918.2, NM_001368919.2); c.1218G>A, p.Met406Ile (NM_001368920.2); c.984G>A, p.Met328Ile (NM_001368922.2, NM_001368923.2, NM_001368924.2 and 3 more transcripts); c.942G>A, p.Met314Ile (NM_001368928.2); and 6 more; short protein forms M180I, M245I, M314I, M328I, M381I, M395I, M406I, M420I.
Identifiers: ClinVar variation 3753745 (VCV003753745.2).
Genomic context (GRCh38, chr11:31,790,750, plus strand): 5'-TGCAGAAAGCAGTGGCTCACCTGTTGAAGTGGTGCCCGAGGTGCCCATTGGCTGACTGTT[C>T]ATGTGTGTCTGCATATGTGGGGGGGTGTAGGTATCATAACTCCGCCCATTCACCGAAGGG-3'
Protein context (NP_001355823.1, residues 385-405): TYTPPHMQTH[Met395Ile]NSQPMGTSGT

ClinVar aggregate classification (germline): Uncertain significance (1 of 4 stars; one submission).

Conditions:
Aniridia 1 (AN1). Identifiers: Orphanet 250923, MedGen C0344542, MONDO:0024507, OMIM 106210.
Irido-corneo-trabecular dysgenesis (ASGD5). Also called: ANTERIOR SEGMENT DYSGENESIS 5. Identifiers: Orphanet 708, MedGen C0344559, MONDO:0011414, OMIM 604229, HP:0000659.

Submission:

Labcorp Genetics (formerly Invitae), Labcorp
Classification: Uncertain significance for Aniridia 1; Irido-corneo-trabecular dysgenesis. Last evaluated: 2025-01-08. Review status: criteria provided, single submitter. Criteria: Invitae Variant Classification Sherloc (09022015). Collection method: clinical testing. Allele origin: germline.
Comment: This sequence change replaces methionine, which is neutral and non-polar, with isoleucine, which is neutral and non-polar, at codon 381 of the PAX6 protein (p.Met381Ile). This variant is not present in population databases (gnomAD no frequency). This variant has not been reported in the literature in individuals affected with PAX6-related conditions. Invitae Evidence Modeling of protein sequence and biophysical properties (such as structural, functional, and spatial information, amino acid conservation, physicochemical variation, residue mobility, and thermodynamic stability) indicates that this missense variant is not expected to disrupt PAX6 protein function with a negative predictive value of 95%. In summary, the available evidence is currently insufficient to determine the role of this variant in disease. Therefore, it has been classified as a Variant of Uncertain Significance.